The following is an entry in ClinVar:

NM_001080421.3(UNC13A):c.490G>A (p.Asp164Asn)

Gene: UNC13A (unc-13 homolog A; minus strand). Cytogenetic location: 19p13.11.
Variant type: single nucleotide variant.
Coding change: c.490G>A on transcript NM_001080421.3 (MANE Select); coding-DNA position 490, G replaced by A.
Protein change: p.Asp164Asn; replaces aspartic acid 164 with asparagine.
Molecular consequence: missense variant.
Genome position (GRCh38, 1-based): chr19:17,666,683, C>T on the plus strand (G>A on the coding strand, the complement: UNC13A is on the minus strand). VCF-style: chr19-17666683-C-T. GRCh37 (hg19) VCF-style: chr19-17777492-C-T.
Other names: c.490G>A, p.Asp164Asn (NM_001387021.1, NM_001387022.1, NM_001387023.1); short protein forms D164N.
Identifiers: ClinVar variation 3047166 (VCV003047166.2), dbSNP rs546420246, ClinGen allele CA9298749.

ClinVar aggregate classification (germline): Likely benign (0 of 4 stars; one submission).

Conditions:
UNC13A-related disorder. Also called: UNC13A-related condition.

Allele frequency attached by ClinVar (database versions not stated): TOPMed 0.00002; gnomAD 0.00005; gnomAD exomes 0.00012; ExAC 0.00034.
gnomAD v4.1: 166 of 1,528,214 alleles (0.011%); highest among the groups gnomAD compares: South Asian, 0.2%; 3 homozygotes.

Submission:

PreventionGenetics, part of Exact Sciences
Classification: Likely benign for UNC13A-related condition. Last evaluated: 2022-07-08. Review status: no assertion criteria provided. Collection method: clinical testing. Allele origin: germline.
Comment: This variant is classified as likely benign based on ACMG/AMP sequence variant interpretation guidelines (Richards et al. 2015 PMID: 25741868, with internal and published modifications).